The following is an entry in ClinVar:

NM_001009944.3(PKD1):c.8891G>A (p.Arg2964His)

Gene: PKD1 (polycystin 1, transient receptor potential channel interacting; minus strand). Cytogenetic location: 16p13.3.
Variant type: single nucleotide variant.
Coding change: c.8891G>A on transcript NM_001009944.3 (MANE Select); coding-DNA position 8891, G replaced by A.
Protein change: p.Arg2964His; replaces arginine 2964 with histidine.
Molecular consequence: missense variant.
Genome position (GRCh38, 1-based): chr16:2,102,871, C>T on the plus strand (G>A on the coding strand, the complement: PKD1 is on the minus strand). VCF-style: chr16-2102871-C-T. GRCh37 (hg19) VCF-style: chr16-2152872-C-T.
Other names: c.8891G>A, p.Arg2964His (NM_000296.4); short protein forms R2964H.
Identifiers: ClinVar variation 2518187 (VCV002518187.4), dbSNP rs765883625, ClinGen allele CA7830317.

ClinVar aggregate classification (germline): Conflicting classifications of pathogenicity. Review status: criteria provided, conflicting classifications (1 of 4 stars). 3 submissions from 3 submitters: Uncertain significance (2); Likely benign (1). Last evaluated 2026-04-23.

Conditions:
Inborn genetic diseases. Identifiers: MedGen C0950123, MeSH D030342.
PKD1-related disorder. Also called: PKD1-related condition.

Allele frequency attached by ClinVar (database versions not stated): gnomAD exomes 0.00001; ExAC 0.00003.
gnomAD v4.1: 24 of 1,609,996 alleles (0.0015%); highest among the groups gnomAD compares: Admixed American, 0.012%; no homozygotes.

Submissions (3):

PreventionGenetics, part of Exact Sciences
Classification: Uncertain significance for PKD1-related condition. Last evaluated: 2026-04-23. Review status: criteria provided, single submitter. Criteria: ACMG Guidelines, 2015. Collection method: clinical testing. Allele origin: germline.
Comment: The PKD1 c.8891G>A variant is predicted to result in the amino acid substitution p.Arg2964His. To our knowledge, this variant has not been reported in the literature. This variant is reported in 0.0081% of alleles in individuals of African descent in gnomAD. Although we suspect that this variant may be benign, at this time, the clinical significance of this variant is uncertain due to the absence of conclusive functional and genetic evidence.

Blueprint Genetics
Classification: Likely benign. Last evaluated: 2024-02-12. Review status: criteria provided, single submitter. Criteria: ACMG Guidelines, 2015. Collection method: clinical testing. Allele origin: germline.

Ambry Genetics
Classification: Uncertain significance for Inborn genetic diseases. Last evaluated: 2023-05-17. Review status: criteria provided, single submitter. Criteria: Ambry Variant Classification Scheme 2023. Collection method: clinical testing. Allele origin: germline.